The following is an entry in ClinVar:

ClinVar aggregate classification (germline): Uncertain significance. Review status: criteria provided, multiple submitters, no conflicts (2 of 4 stars). 2 submissions from 2 submitters: Uncertain significance (2). Last evaluated 2024-03-18.

Conditions:
Xeroderma pigmentosum, group F (XPF). Also called: XERODERMA PIGMENTOSUM VI; XP, GROUP F; ERCC4-Related Xeroderma Pigmentosum; XERODERMA PIGMENTOSUM, TYPE F; Xeroderma pigmentosum, type 6; XERODERMA PIGMENTOSUM, COMPLEMENTATION GROUP F. Identifiers: MedGen C0268140, MONDO:0010215, OMIM 278760.
Fanconi anemia complementation group Q. Identifiers: Orphanet 84, MedGen C3808988, MONDO:0014108, OMIM 615272.
Cockayne syndrome. Identifiers: Orphanet 191, MedGen C0009207, MONDO:0016006.
XFE progeroid syndrome (XFEPS). Also called: XPF-ERCC1 PROGEROID SYNDROME. Identifiers: MedGen C1970416, MONDO:0012590, OMIM 610965.

Allele frequency attached by ClinVar (database versions not stated): ExAC 0.00001; gnomAD exomes 0.00001; TOPMed 0.00001; gnomAD 0.00002.
gnomAD v4.1: 7 of 1,613,470 alleles (0.00043%); highest among the groups gnomAD compares: Non-Finnish European, 0.00059%; no homozygotes.

Submissions (2):

Fulgent Genetics
Classification: Uncertain significance for Xeroderma pigmentosum, group F; XFE progeroid syndrome; Fanconi anemia complementation group Q. Last evaluated: 2024-03-18. Review status: criteria provided, single submitter. Criteria: ACMG Guidelines, 2015. Collection method: clinical testing. Allele origin: germline.

Labcorp Genetics (formerly Invitae), Labcorp
Classification: Uncertain significance for Fanconi anemia complementation group Q; Xeroderma pigmentosum, group F; Cockayne syndrome. Last evaluated: 2022-05-28. Review status: criteria provided, single submitter. Criteria: Invitae Variant Classification Sherloc (09022015). Collection method: clinical testing. Allele origin: germline.
Comment: In summary, the available evidence is currently insufficient to determine the role of this variant in disease. Therefore, it has been classified as a Variant of Uncertain Significance. Algorithms developed to predict the effect of missense changes on protein structure and function (SIFT, PolyPhen-2, Align-GVGD) all suggest that this variant is likely to be tolerated. This variant has not been reported in the literature in individuals affected with ERCC4-related conditions. This variant is present in population databases (rs758884625, gnomAD 0.002%). This sequence change replaces methionine, which is neutral and non-polar, with valine, which is neutral and non-polar, at codon 335 of the ERCC4 protein (p.Met335Val).

NM_005236.3(ERCC4):c.1003A>G (p.Met335Val)

Gene: ERCC4 (ERCC excision repair 4, endonuclease catalytic subunit; plus strand). Cytogenetic location: 16p13.12.
Variant type: single nucleotide variant.
Coding change: c.1003A>G on transcript NM_005236.3 (MANE Select); coding-DNA position 1003, A replaced by G.
Protein change: p.Met335Val; replaces methionine 335 with valine.
Molecular consequence: missense variant.
Genome position (GRCh38, 1-based): chr16:13,932,186, A>G. VCF-style: chr16-13932186-A-G. GRCh37 (hg19) VCF-style: chr16-14026043-A-G.
Other names: short protein forms M335V.
Identifiers: ClinVar variation 2143132 (VCV002143132.5), dbSNP rs758884625, ClinGen allele CA7910338.